The following is an entry in ClinVar:

ClinVar aggregate classification (germline): Uncertain significance. Review status: criteria provided, multiple submitters, no conflicts (2 of 4 stars). 2 submissions from 2 submitters: Uncertain significance (2). Last evaluated 2022-06-26.

Conditions:
Progressive sclerosing poliodystrophy (MTDPS4A). Also called: ALPERS PROGRESSIVE INFANTILE POLIODYSTROPHY; Alpers-Huttenlocher Syndrome (AHS); NEURONAL DEGENERATION OF CHILDHOOD WITH LIVER DISEASE, PROGRESSIVE; Mitochondrial DNA depletion syndrome 4A (Alpers type); Mitochondrial DNA Depletion Syndrome 4A; Alpers Syndrome. Identifiers: Orphanet 726, MedGen C0205710, MONDO:0008758, OMIM 203700.

Allele frequency attached by ClinVar (database versions not stated): gnomAD exomes below 0.00001.
gnomAD v4.1: 4 of 1,607,682 alleles (0.00025%); highest among the groups gnomAD compares: Non-Finnish European, 0.00034%; no homozygotes.

Submissions (2):

Labcorp Genetics (formerly Invitae), Labcorp
Classification: Uncertain significance for Progressive sclerosing poliodystrophy. Last evaluated: 2022-06-26. Review status: criteria provided, single submitter. Criteria: Invitae Variant Classification Sherloc (09022015). Collection method: clinical testing. Allele origin: germline.
Comment: In summary, the available evidence is currently insufficient to determine the role of this variant in disease. Therefore, it has been classified as a Variant of Uncertain Significance. Algorithms developed to predict the effect of missense changes on protein structure and function are either unavailable or do not agree on the potential impact of this missense change (SIFT: "Deleterious"; PolyPhen-2: "Probably Damaging"; Align-GVGD: "Class C0"). This missense change has been observed in individual(s) with autosomal recessive progressive external ophthalmoplegia (PMID: 31521625). This variant is not present in population databases (gnomAD no frequency). This sequence change replaces proline, which is neutral and non-polar, with arginine, which is basic and polar, at codon 753 of the POLG protein (p.Pro753Arg).

GeneDx
Classification: Uncertain significance. Last evaluated: 2022-03-11. Review status: criteria provided, single submitter. Criteria: GeneDx Variant Classification Process June 2021. Collection method: clinical testing. Allele origin: germline. Affected: yes.
Comment: Not observed at significant frequency in large population cohorts (gnomAD); In silico analysis supports that this missense variant has a deleterious effect on protein structure/function; This variant is associated with the following publications: (PMID: 31521625)

Literature cited by the submitters: PubMed 31521625 (cited by Labcorp Genetics (formerly Invitae), Labcorp).

NM_002693.3(POLG):c.2258C>G (p.Pro753Arg)

Gene: POLG (DNA polymerase gamma, catalytic subunit; minus strand). Cytogenetic location: 15q26.1.
Variant type: single nucleotide variant.
Coding change: c.2258C>G on transcript NM_002693.3 (MANE Select); coding-DNA position 2258, C replaced by G.
Protein change: p.Pro753Arg; replaces proline 753 with arginine.
Molecular consequence: missense variant.
Genome position (GRCh38, 1-based): chr15:89,323,411, G>C on the plus strand (C>G on the coding strand, the complement: POLG is on the minus strand). VCF-style: chr15-89323411-G-C. GRCh37 (hg19) VCF-style: chr15-89866642-G-C.
Other names: c.2258C>G, p.Pro753Arg (NM_001126131.2); short protein forms P753R.
Identifiers: ClinVar variation 1704780 (VCV001704780.7), dbSNP rs923667033, ClinGen allele CA393756636.
Genomic context (GRCh38, chr15:89,323,411, plus strand): 5'-GCCTTGAGCAGAATGAGGAAACACCACAGGACAGGCCATGACCCAGGACACACCTTGTGA[G>C]GCAGCTTGAAAAACCAGCAGCCAGGGATGTCCACGTCGTTGTAAGGTCCATTGCCATGGT-3'
Protein context (NP_002684.1, residues 743-763): DIPGCWFFKL[Pro753Arg]HKDGNSCNVG